The following is an entry in ClinVar:

ClinVar aggregate classification (germline): Benign/Likely benign. Review status: criteria provided, multiple submitters, no conflicts (2 of 4 stars). 5 submissions from 5 submitters: Benign (1); Likely benign (4). Last evaluated 2026-07-16.

Conditions:
Hereditary cancer-predisposing syndrome. Also called: Hereditary Cancer Syndrome; Tumor predisposition; Hereditary neoplastic syndrome; Neoplastic Syndromes, Hereditary. Identifiers: Orphanet 140162, MedGen C0027672, MeSH D009386, MONDO:0015356.
Rhabdoid tumor predisposition syndrome 2 (RTPS2). Identifiers: Orphanet 231108, Orphanet 69077, MedGen C2750074, MONDO:0013224, OMIM 613325.

Allele frequency attached by ClinVar (database versions not stated): gnomAD exomes 0.00001; TOPMed 0.00002; gnomAD 0.00003 and 0.00004; ExAC 0.00002.
gnomAD v4.1: 26 of 1,612,388 alleles (0.0016%); highest among the groups gnomAD compares: Non-Finnish European, 0.0017%; no homozygotes.

Submissions (5):

Myriad Genetics, Inc.
Classification: Benign for Rhabdoid tumor predisposition syndrome 2. Last evaluated: 2026-07-16. Review status: criteria provided, single submitter. Criteria: Myriad Autosomal Dominant, Autosomal Recessive and X-Linked Classification Criteria (2023). Collection method: clinical testing. Allele origin: unknown.
Comment: This variant is considered benign. This variant is a silent/synonymous amino acid change and it is not expected to impact splicing.

Labcorp Genetics (formerly Invitae), Labcorp
Classification: Likely benign for Rhabdoid tumor predisposition syndrome 2. Last evaluated: 2026-01-05. Review status: criteria provided, single submitter. Criteria: Invitae Variant Classification Sherloc (09022015). Collection method: clinical testing. Allele origin: germline.

Blueprint Genetics
Classification: Likely benign. Last evaluated: 2024-06-27. Review status: criteria provided, single submitter. Criteria: ACMG Guidelines, 2015. Collection method: clinical testing. Allele origin: germline.

GeneDx
Classification: Likely benign. Last evaluated: 2019-06-03. Review status: criteria provided, single submitter. Criteria: GeneDx Variant Classification Process June 2021. Collection method: clinical testing. Allele origin: germline. Affected: yes.

Ambry Genetics
Classification: Likely benign for Hereditary cancer-predisposing syndrome. Last evaluated: 2016-03-23. Review status: criteria provided, single submitter. Criteria: Ambry Variant Classification Scheme 2023. Collection method: clinical testing. Allele origin: germline.

NM_003072.5(SMARCA4):c.4257C>T (p.Ala1419=)

Gene: SMARCA4 (SWI/SNF related BAF chromatin remodeling complex subunit ATPase 4; plus strand). Cytogenetic location: 19p13.2.
Variant type: single nucleotide variant.
Coding change: c.4257C>T on transcript NM_003072.5 (MANE Select); coding-DNA position 4257, C replaced by T.
Protein change: p.Ala1419=; no amino-acid change (alanine 1419 retained).
Molecular consequence: synonymous variant. On other transcripts: non-coding transcript variant (1).
Genome position (GRCh38, 1-based): chr19:11,041,393, C>T. VCF-style: chr19-11041393-C-T. GRCh37 (hg19) VCF-style: chr19-11152069-C-T.
Other names: c.4257C>T, p.Ala1419= (NM_001128844.3); c.4167C>T, p.Ala1389= (NM_001128845.2, NM_001128846.2); c.4158C>T, p.Ala1386= (NM_001128847.4, NM_001128848.2, NM_001374457.1); c.4353C>T, p.Ala1451= (NM_001128849.3, NM_001387283.1).
Identifiers: ClinVar variation 238468 (VCV000238468.20), dbSNP rs759313926, ClinGen allele CA9204686.